The following is an entry in ClinVar:

ClinVar aggregate classification (germline): Likely benign (1 of 4 stars; one submission).

gnomAD v4.1: 298 of 1,614,148 alleles (0.018%); highest among the groups gnomAD compares: Non-Finnish European, 0.024%; no homozygotes.

Submission:

CeGaT Center for Human Genetics Tuebingen
Classification: Likely benign. Last evaluated: 2026-04-01. Review status: criteria provided, single submitter. Criteria: CeGaT Center For Human Genetics Tuebingen Variant Classification Criteria Version 2. Collection method: clinical testing. Allele origin: germline. Affected: yes. Observed: 1 variant allele.
Comment: ABCC1: BS2

NM_004996.4(ABCC1):c.880A>C (p.Asn294His)

Gene: ABCC1 (ATP binding cassette subfamily C member 1 (ABCC1 blood group); plus strand). Cytogenetic location: 16p13.11.
Variant type: single nucleotide variant.
Coding change: c.880A>C on transcript NM_004996.4 (MANE Select); coding-DNA position 880, A replaced by C.
Protein change: p.Asn294His; replaces asparagine 294 with histidine.
Molecular consequence: missense variant.
Genome position (GRCh38, 1-based): chr16:16,044,520, A>C. VCF-style: chr16-16044520-A-C. GRCh37 (hg19) VCF-style: chr16-16138377-A-C.
Other names: c.754A>C, p.Asn252His (NM_001438715.1, NM_001438719.1, NM_019901.2); c.616A>C, p.Asn206His (NM_001438717.1); c.742A>C, p.Asn248His (NM_001438718.1); c.880A>C, p.Asn294His (NM_001438720.1, NM_001438755.1, NM_019862.3 and 3 more transcripts); short protein forms N206H, N248H, N252H, N294H.
Identifiers: ClinVar variation 4872721 (VCV004872721.2).